The following is an entry in ClinVar:

NM_172107.4(KCNQ2):c.1903AAG[1] (p.Lys636del)

Gene: KCNQ2 (potassium voltage-gated channel subfamily Q member 2; minus strand). Cytogenetic location: 20q13.33.
Variant type: Microsatellite.
Coding change: c.1903AAG[1] on transcript NM_172107.4 (MANE Select); one copy of the 3-base unit AAG starting at c.1903; the reference has two copies in a row; one copy, 3 bases deleted.
Protein change: p.Lys636del; deletes lysine 636.
Molecular consequence: inframe deletion.
Genome position (GRCh38, 1-based): chr20:63,407,355-63,407,357, CTT deleted on the plus strand (AAG on the coding strand, the reverse complement: KCNQ2 is on the minus strand); deleting any 3 consecutive bases within chr20:63,407,355-63,407,362 gives the same sequence; the position shown is the placement nearest the transcript's 3' end. VCF-style (leftmost placement, unchanged base first): chr20-63407354-GCTT-G. GRCh37 (hg19) VCF-style: chr20-62038707-GCTT-G.
Other names: c.1957AAG[1], p.Lys654del (NM_001382235.1); c.1819AAG[1], p.Lys608del (NM_004518.6); c.1849AAG[1], p.Lys618del (NM_172106.3); c.1810AAG[1], p.Lys605del (NM_172108.5); short protein forms K636del, K654del, K608del, K605del, K618del.
Identifiers: ClinVar variation 969769 (VCV000969769.11), dbSNP rs2079980257, ClinGen allele CA2374774566.

ClinVar aggregate classification (germline): Pathogenic (1 of 4 stars; one submission).

Conditions:
Early-infantile DEE. Also called: Ohtahara syndrome; Early infantile epileptic encephalopathy with suppression bursts; Early infantile epileptic encephalopathy. Identifiers: Orphanet 1934, MedGen C0393706, MONDO:0800491.

Submission:

Labcorp Genetics (formerly Invitae), Labcorp
Classification: Pathogenic for Early-infantile DEE. Last evaluated: 2022-02-04. Review status: criteria provided, single submitter. Criteria: Invitae Variant Classification Sherloc (09022015). Collection method: clinical testing. Allele origin: germline.
Comment: For these reasons, this variant has been classified as Pathogenic. Experimental studies and prediction algorithms are not available or were not evaluated, and the functional significance of this variant is currently unknown. ClinVar contains an entry for this variant (Variation ID: 969769). This variant has been observed in individual(s) with clinical features of KCNQ2-related conditions (PMID: 31418850; Invitae). In at least one individual the variant was observed to be de novo. This variant is not present in population databases (gnomAD no frequency). This variant, c.1906_1908del, results in the deletion of 1 amino acid(s) of the KCNQ2 protein (p.Lys636del), but otherwise preserves the integrity of the reading frame.

Literature cited by the submitters: PubMed 31418850.